The following is an entry in ClinVar:

NM_005228.5(EGFR):c.2858T>C (p.Ile953Thr)

Gene: EGFR (epidermal growth factor receptor; plus strand). Cytogenetic location: 7p11.2.
Variant type: single nucleotide variant.
Coding change: c.2858T>C on transcript NM_005228.5 (MANE Select); coding-DNA position 2858, T replaced by C.
Protein change: p.Ile953Thr; replaces isoleucine 953 with threonine.
Molecular consequence: missense variant.
Genome position (GRCh38, 1-based): chr7:55,200,325, T>C. VCF-style: chr7-55200325-T-C. GRCh37 (hg19) VCF-style: chr7-55268018-T-C.
Other names: c.2723T>C, p.Ile908Thr (NM_001346897.2, NM_001346899.2); c.2858T>C, p.Ile953Thr (NM_001346898.2); c.2699T>C, p.Ile900Thr (NM_001346900.2); c.2057T>C, p.Ile686Thr (NM_001346941.2); short protein forms I686T, I900T, I908T, I953T.
Identifiers: ClinVar variation 965600 (VCV000965600.9), dbSNP rs1787790185, ClinGen allele CA367581704.

ClinVar aggregate classification (germline): Uncertain significance (1 of 4 stars; one submission).

Conditions:
EGFR-related lung cancer (EGFR). Identifiers: MedGen CN130014.

Allele frequency attached by ClinVar (database versions not stated): gnomAD exomes below 0.00001.
gnomAD v4.1: 1 of 1,614,168 alleles (0.000062%); highest among the groups gnomAD compares: South Asian, 0.0011%; no homozygotes.

Submission:

Labcorp Genetics (formerly Invitae), Labcorp
Classification: Uncertain significance for EGFR-related lung cancer. Last evaluated: 2024-06-06. Review status: criteria provided, single submitter. Criteria: Invitae Variant Classification Sherloc (09022015). Collection method: clinical testing. Allele origin: germline.
Comment: This sequence change replaces isoleucine, which is neutral and non-polar, with threonine, which is neutral and polar, at codon 953 of the EGFR protein (p.Ile953Thr). This variant is not present in population databases (gnomAD no frequency). This variant has not been reported in the literature in individuals affected with EGFR-related conditions. ClinVar contains an entry for this variant (Variation ID: 965600). Advanced modeling of protein sequence and biophysical properties (such as structural, functional, and spatial information, amino acid conservation, physicochemical variation, residue mobility, and thermodynamic stability) has been performed at Invitae for this missense variant, however the output from this modeling did not meet the statistical confidence thresholds required to predict the impact of this variant on EGFR protein function. In summary, the available evidence is currently insufficient to determine the role of this variant in disease. Therefore, it has been classified as a Variant of Uncertain Significance.